The following is an entry in ClinVar:

ClinVar aggregate classification (germline): Pathogenic. Review status: criteria provided, multiple submitters, no conflicts (2 of 4 stars). 4 submissions from 4 submitters: Pathogenic (4). Last evaluated 2025-07-17.

Conditions:
Neurofibromatosis, type 1 (NF1). Also called: VON RECKLINGHAUSEN DISEASE; NEUROFIBROMATOSIS, TYPE I, SOMATIC; Neurofibromatosis, type I; Peripheral type neurofibromatosis. Identifiers: Orphanet 636, MedGen C0027831, MONDO:0018975, OMIM 162200. Disease mechanism: loss of function.
Cardiovascular phenotype. Identifiers: MedGen CN230736.
Hereditary cancer-predisposing syndrome. Also called: Hereditary neoplastic syndrome; Neoplastic Syndromes, Hereditary; Tumor predisposition; Hereditary Cancer Syndrome. Identifiers: Orphanet 140162, MedGen C0027672, MeSH D009386, MONDO:0015356.

Submissions (4):

Department of Clinical Genetics, Copenhagen University Hospital, Rigshospitalet
Classification: Pathogenic for Neurofibromatosis, type 1. Last evaluated: 2025-07-17. Review status: criteria provided, single submitter. Criteria: ACMG Guidelines, 2015. Collection method: clinical testing. Allele origin: germline.
Comment: The following ACMG criteria has been used: PVS1, PM2_su, PP4_mod

Labcorp Genetics (formerly Invitae), Labcorp
Classification: Pathogenic for Neurofibromatosis, type 1. Last evaluated: 2025-02-03. Review status: criteria provided, single submitter. Criteria: Invitae Variant Classification Sherloc (09022015). Collection method: clinical testing. Allele origin: germline.
Comment: This sequence change creates a premature translational stop signal (p.Ser1765Argfs*8) in the NF1 gene. It is expected to result in an absent or disrupted protein product. Loss-of-function variants in NF1 are known to be pathogenic (PMID: 10712197, 23913538). This variant is not present in population databases (gnomAD no frequency). This variant has not been reported in the literature in individuals affected with NF1-related conditions. ClinVar contains an entry for this variant (Variation ID: 1746646). For these reasons, this variant has been classified as Pathogenic.

CeGaT Center for Human Genetics Tuebingen
Classification: Pathogenic. Last evaluated: 2022-11-01. Review status: criteria provided, single submitter. Criteria: CeGaT Center For Human Genetics Tuebingen Variant Classification Criteria Version 2. Collection method: clinical testing. Allele origin: germline. Affected: yes. Observed: 1 variant allele.
Comment: NF1: PVS1, PM2

Ambry Genetics
Classification: Pathogenic for Cardiovascular phenotype; Hereditary cancer-predisposing syndrome. Last evaluated: 2021-01-27. Review status: criteria provided, single submitter. Criteria: Ambry Variant Classification Scheme 2023. Collection method: clinical testing. Allele origin: germline.
Comment: The c.5293delT pathogenic mutation, located in coding exon 37 of the NF1 gene, results from a deletion of one nucleotide at nucleotide position 5293, causing a translational frameshift with a predicted alternate stop codon (p.S1765Rfs*8). This alteration is expected to result in loss of function by premature protein truncation or nonsense-mediated mRNA decay. As such, this alteration is interpreted as a disease-causing mutation.

Literature cited by the submitters: PubMed 10712197 (cited by Labcorp Genetics (formerly Invitae), Labcorp); PubMed 23913538 (cited by Labcorp Genetics (formerly Invitae), Labcorp).

NM_001042492.3(NF1):c.5356del (p.Ser1786fs)

Gene: NF1 (neurofibromin 1; plus strand). Cytogenetic location: 17q11.2.
Variant type: Deletion.
Coding change: c.5356del on transcript NM_001042492.3 (MANE Select); coding-DNA position 5356, one base deleted (T; older notation c.5356delT).
Protein change: p.Ser1786fs; shifts the reading frame from serine 1786.
Molecular consequence: frameshift variant.
Genome position (GRCh38, 1-based): chr17:31,327,586, T deleted; the last of 2 consecutive T bases (chr17:31,327,585-31,327,586); deleting either gives the same sequence. VCF-style (leftmost placement, unchanged base first): chr17-31327584-CT-C. GRCh37 (hg19) VCF-style: chr17-29654602-CT-C.
Other names: c.5293delT (NM_000267.3); c.5293delT, p.Ser1765Argfs (NM_000267.4); short protein forms S1765fs, S1786fs.
Identifiers: ClinVar variation 1746646 (VCV001746646.33), dbSNP rs2508706041, ClinGen allele CA2580093264.